The following is an entry in ClinVar:

ClinVar aggregate classification (germline): Uncertain significance. Review status: criteria provided, multiple submitters, no conflicts (2 of 4 stars). 2 submissions from 2 submitters: Uncertain significance (2). Last evaluated 2025-04-01.

Conditions:
Dystonic disorder. Also called: Dystonia. Identifiers: MedGen C0013421, MONDO:0003441, HP:0001332.

Submissions (2):

Ambry Genetics
Classification: Uncertain significance. Last evaluated: 2025-04-01. Review status: criteria provided, single submitter. Criteria: Ambry Variant Classification Scheme 2023. Collection method: clinical testing. Allele origin: germline.

Labcorp Genetics (formerly Invitae), Labcorp
Classification: Uncertain significance for Dystonic disorder. Last evaluated: 2018-10-14. Review status: criteria provided, single submitter. Criteria: Invitae Variant Classification Sherloc (09022015). Collection method: clinical testing. Allele origin: germline.
Comment: In summary, the available evidence is currently insufficient to determine the role of this variant in disease. Therefore, it has been classified as a Variant of Uncertain Significance. Algorithms developed to predict the effect of missense changes on protein structure and function are either unavailable or do not agree on the potential impact of this missense change (SIFT: "Deleterious"; PolyPhen-2: "Benign"; Align-GVGD: "Class C0"). This variant has not been reported in the literature in individuals with CIZ1-related disease. This variant is not present in population databases (ExAC no frequency). This sequence change replaces glutamine with leucine at codon 478 of the CIZ1 protein (p.Gln478Leu). The glutamine residue is moderately conserved and there is a moderate physicochemical difference between glutamine and leucine.

NM_001131016.2(CIZ1):c.1433A>T (p.Gln478Leu)

Gene: CIZ1 (CDKN1A interacting zinc finger protein 1; minus strand). Cytogenetic location: 9q34.11.
Variant type: single nucleotide variant.
Coding change: c.1433A>T on transcript NM_001131016.2 (MANE Select); coding-DNA position 1433, A replaced by T.
Protein change: p.Gln478Leu; replaces glutamine 478 with leucine.
Molecular consequence: missense variant.
Genome position (GRCh38, 1-based): chr9:128,178,774, T>A on the plus strand (A>T on the coding strand, the complement: CIZ1 is on the minus strand). VCF-style: chr9-128178774-T-A. GRCh37 (hg19) VCF-style: chr9-130941053-T-A.
Other names: c.1265A>T, p.Gln422Leu (NM_001131015.2); c.1250A>T, p.Gln417Leu (NM_001131017.2); c.1193A>T, p.Gln398Leu (NM_001131018.2); c.1523A>T, p.Gln508Leu (NM_001257975.2); c.1130A>T, p.Gln377Leu (NM_001257976.2); c.1433A>T, p.Gln478Leu (NM_012127.3); short protein forms Q417L, Q508L, Q377L, Q398L, Q422L, Q478L.
Identifiers: ClinVar variation 663036 (VCV000663036.9), dbSNP rs1588172089, ClinGen allele CA375026167.